The following is an entry in ClinVar:

ClinVar aggregate classification (germline): Uncertain significance (1 of 4 stars; one submission).

Conditions:
Catecholaminergic polymorphic ventricular tachycardia (CVPT). Also called: Catecholamine-induced polymorphic ventricular tachycardia. Identifiers: Orphanet 3286, MedGen C5574922, MONDO:0017990.

Submission:

Labcorp Genetics (formerly Invitae), Labcorp
Classification: Uncertain significance for Catecholaminergic polymorphic ventricular tachycardia 1. Last evaluated: 2020-06-03. Review status: criteria provided, single submitter. Criteria: Invitae Variant Classification Sherloc (09022015). Collection method: clinical testing. Allele origin: germline.
Comment: This variant is an in-frame deletion of the genomic region encompassing exon(s) 4 of the RYR2 gene. It preserves the integrity of the reading frame. This variant has not been reported in the literature in individuals with RYR2-related conditions. Experimental studies and prediction algorithms are not available or were not evaluated, and the functional significance of this variant is currently unknown. In summary, the available evidence is currently insufficient to determine the role of this variant in disease. Therefore, it has been classified as a Variant of Uncertain Significance.

NC_000001.10:g.(?_237519255)_(237519295_?)del

Gene: RYR2 (ryanodine receptor 2; plus strand). Cytogenetic location: 1q43.
Variant type: Deletion.
Identifiers: ClinVar variation 1041411 (VCV001041411.2).